The following is an entry in ClinVar:

ClinVar aggregate classification (germline): Uncertain significance (1 of 4 stars; one submission).

Submission:

Labcorp Genetics (formerly Invitae), Labcorp
Classification: Uncertain significance. Last evaluated: 2022-06-20. Review status: criteria provided, single submitter. Criteria: Invitae Variant Classification Sherloc (09022015). Collection method: clinical testing. Allele origin: germline.
Comment: Experimental studies and prediction algorithms are not available or were not evaluated, and the functional significance of this variant is currently unknown. In summary, the available evidence is currently insufficient to determine the role of this variant in disease. Therefore, it has been classified as a Variant of Uncertain Significance. This variant has not been reported in the literature in individuals affected with TNFRSF11A-related conditions. This variant is a gross deletion of the genomic region encompassing exon(s) 2-8 of the TNFRSF11A gene. This variant would be expected to be in-frame, preserving the integrity of the reading frame.

NC_000018.9:g.(?_60015381)_(60034013_?)del

Gene: TNFRSF11A (TNF receptor superfamily member 11a; plus strand). Cytogenetic location: 18q21.33.
Variant type: Deletion.
Identifiers: ClinVar variation 1410871 (VCV001410871.7).